The following is an entry in ClinVar:

NM_004606.5(TAF1):c.190A>G (p.Asn64Asp)

Gene: TAF1 (TATA-box binding protein associated factor 1; plus strand). Cytogenetic location: Xq13.1.
Variant type: single nucleotide variant.
Coding change: c.190A>G on transcript NM_004606.5 (MANE Select); coding-DNA position 190, A replaced by G.
Protein change: p.Asn64Asp; replaces asparagine 64 with aspartic acid.
Molecular consequence: missense variant. On other transcripts: non-coding transcript variant (9).
Genome position (GRCh38, 1-based): chrX:71,367,568, A>G. VCF-style: chrX-71367568-A-G. GRCh37 (hg19) VCF-style: chrX-70587418-A-G.
Other names: c.250A>G (NM_004606.4); c.190A>G, p.Asn64Asp (NM_001286074.2, NM_138923.4); short protein forms N64D.
Identifiers: ClinVar variation 3906717 (VCV003906717.2).

ClinVar aggregate classification (germline): Uncertain significance (1 of 4 stars; one submission).

Conditions:
Intellectual developmental disorder, X-linked, syndromic 33. Also called: Intellectual disability, X-linked, syndromic 33; X-linked intellectual disability-global development delay-facial dysmorphism-sacral caudal remnant syndrome. Identifiers: Orphanet 480907, MedGen C4225418, MONDO:0010500, OMIM 300966.
X-linked dystonia-parkinsonism (DYT3). Also called: TORSION DYSTONIA-PARKINSONISM, FILIPINO TYPE; Lubag; DYT-TAF1. Identifiers: Orphanet 53351, MedGen C1839130, MONDO:0010747, OMIM 314250.

Submission:

GeneDx
Classification: Uncertain significance. Last evaluated: 2024-12-18. Review status: criteria provided, single submitter. Criteria: GeneDx Variant Classification Process June 2021. Collection method: clinical testing. Allele origin: germline. Affected: yes.
Comment: Not observed at significant frequency in large population cohorts (gnomAD); In silico analysis indicates that this missense variant does not alter protein structure/function; Has not been previously published as pathogenic or benign to our knowledge